The following is an entry in ClinVar:

NM_004086.3(COCH):c.681T>C (p.Asp227=)

Genes: COCH (cochlin; plus strand), COCH-AS1 (COCH antisense RNA 1; minus strand). Cytogenetic location: 14q12.
Variant type: single nucleotide variant.
Coding change: c.681T>C on transcript NM_004086.3 (MANE Select); coding-DNA position 681, T replaced by C.
Protein change: p.Asp227=; no amino-acid change (aspartic acid 227 retained).
Molecular consequence: synonymous variant. On other transcripts: non-coding transcript variant (1).
Genome position (GRCh38, 1-based): chr14:30,884,604, T>C. VCF-style: chr14-30884604-T-C. GRCh37 (hg19) VCF-style: chr14-31353810-T-C.
Other names: c.681T>C, p.Asp227= (NM_001135058.2); c.876T>C, p.Asp292= (NM_001347720.2).
Identifiers: ClinVar variation 4083400 (VCV004083400.1).

ClinVar aggregate classification (germline): Uncertain significance (1 of 4 stars; one submission).

gnomAD v4.1: 29 of 1,613,716 alleles (0.0018%); highest among the groups gnomAD compares: African/African-American, 0.033%; no homozygotes.

Submission:

GeneDx
Classification: Uncertain significance. Last evaluated: 2025-03-11. Review status: criteria provided, single submitter. Criteria: GeneDx Variant Classification Process June 2021. Collection method: clinical testing. Allele origin: germline. Affected: yes.
Comment: In silico analysis indicates that this variant does not alter splicing; Has not been previously published as pathogenic or benign to our knowledge